The following is an entry in ClinVar:

NM_018136.5(ASPM):c.5897A>G (p.Gln1966Arg)

Gene: ASPM (assembly factor for spindle microtubules; minus strand). Cytogenetic location: 1q31.3.
Variant type: single nucleotide variant.
Coding change: c.5897A>G on transcript NM_018136.5 (MANE Select); coding-DNA position 5897, A replaced by G.
Protein change: p.Gln1966Arg; replaces glutamine 1966 with arginine.
Molecular consequence: missense variant. On other transcripts: intron variant (1).
Genome position (GRCh38, 1-based): chr1:197,103,354, T>C on the plus strand (A>G on the coding strand, the complement: ASPM is on the minus strand). VCF-style: chr1-197103354-T-C. GRCh37 (hg19) VCF-style: chr1-197072484-T-C.
Other names: c.5897A>G (NM_018136.4); c.4066-7190A>G (NM_001206846.2); short protein forms Q1966R.
Identifiers: ClinVar variation 597505 (VCV000597505.11), dbSNP rs140834556, ClinGen allele CA1309671.

ClinVar aggregate classification (germline): Uncertain significance. Review status: criteria provided, multiple submitters, no conflicts (2 of 4 stars). 5 submissions from 5 submitters: Uncertain significance (5). Last evaluated 2026-08-27.

Conditions:
Microcephaly 5, primary, autosomal recessive (MCPH5). Also called: ASPM Primary Microcephaly. Identifiers: Orphanet 2512, MedGen C1837501, MONDO:0012106, OMIM 608716.
ASPM-related disorder. Also called: ASPM-related condition.
Inborn genetic diseases. Identifiers: MedGen C0950123, MeSH D030342.

Allele frequency attached by ClinVar (database versions not stated): TOPMed 0.00011; 1000 Genomes Project 30x 0.00031.
gnomAD v4.1: 39 of 1,613,314 alleles (0.0024%); highest among the groups gnomAD compares: African/African-American, 0.029%; no homozygotes.

Submissions (5):

PreventionGenetics, part of Exact Sciences
Classification: Uncertain significance for ASPM-related condition. Last evaluated: 2026-08-27. Review status: criteria provided, single submitter. Criteria: ACMG Guidelines, 2015. Collection method: clinical testing. Allele origin: germline.
Comment: The ASPM c.5897A>G variant is predicted to result in the amino acid substitution p.Gln1966Arg. To our knowledge, this variant has not been reported in the literature. This variant is reported in 0.032% of alleles in individuals of African descent in gnomAD. At this time, the clinical significance of this variant is uncertain due to the absence of conclusive functional and genetic evidence.

Labcorp Genetics (formerly Invitae), Labcorp
Classification: Uncertain significance. Last evaluated: 2025-12-21. Review status: criteria provided, single submitter. Criteria: Invitae Variant Classification Sherloc (09022015). Collection method: clinical testing. Allele origin: germline.
Comment: This sequence change replaces glutamine, which is neutral and polar, with arginine, which is basic and polar, at codon 1966 of the ASPM protein (p.Gln1966Arg). This variant is present in population databases (rs140834556, gnomAD 0.03%). This variant has not been reported in the literature in individuals affected with ASPM-related conditions. ClinVar contains an entry for this variant (Variation ID: 597505). Invitae Evidence Modeling of protein sequence and biophysical properties (such as structural, functional, and spatial information, amino acid conservation, physicochemical variation, residue mobility, and thermodynamic stability) indicates that this missense variant is not expected to disrupt ASPM protein function with a negative predictive value of 80%. In summary, the available evidence is currently insufficient to determine the role of this variant in disease. Therefore, it has been classified as a Variant of Uncertain Significance.

Ambry Genetics
Classification: Uncertain significance for Inborn genetic diseases. Last evaluated: 2024-01-08. Review status: criteria provided, single submitter. Criteria: Ambry Variant Classification Scheme 2023. Collection method: clinical testing. Allele origin: germline.

Genome-Nilou Lab
Classification: Uncertain significance for Microcephaly 5, primary, autosomal recessive. Last evaluated: 2023-04-11. Review status: criteria provided, single submitter. Criteria: ACMG Guidelines, 2015. Collection method: clinical testing. Allele origin: germline. Affected: no.

Eurofins Ntd Llc (ga)
Classification: Uncertain significance. Last evaluated: 2018-06-14. Review status: criteria provided, single submitter. Criteria: EGL ClinVar v180209 classification definitions. Collection method: clinical testing. Allele origin: germline. Observed: 1 variant allele, 1 heterozygote.